The following is an entry in ClinVar:

ClinVar aggregate classification (germline): Likely benign (1 of 4 stars; one submission).

Conditions:
ISL1-related disorder. Also called: ISL1-related condition.

Submission:

PreventionGenetics, part of Exact Sciences
Classification: Likely benign for ISL1-related condition. Last evaluated: 2025-02-04. Review status: criteria provided, single submitter. Criteria: ACMG Guidelines, 2015. Collection method: clinical testing. Allele origin: germline.
Comment: This variant is classified as likely benign based on ACMG/AMP sequence variant interpretation guidelines (Richards et al. 2015 PMID: 25741868, with internal and published modifications).

NM_002202.3(ISL1):c.195C>T (p.Thr65=)

Gene: ISL1 (ISL LIM homeobox 1; plus strand). Cytogenetic location: 5q11.1.
Variant type: single nucleotide variant.
Coding change: c.195C>T on transcript NM_002202.3 (MANE Select); coding-DNA position 195, C replaced by T.
Protein change: p.Thr65=; no amino-acid change (threonine 65 retained).
Molecular consequence: synonymous variant.
Genome position (GRCh38, 1-based): chr5:51,384,707, C>T. VCF-style: chr5-51384707-C-T. GRCh37 (hg19) VCF-style: chr5-50680541-C-T.
Identifiers: ClinVar variation 4990736 (VCV004990736.1).